The following is an entry in ClinVar:

NM_000925.4(PDHB):c.781G>A (p.Val261Ile)

Gene: PDHB (pyruvate dehydrogenase E1 subunit beta; minus strand). Cytogenetic location: 3p14.3.
Variant type: single nucleotide variant.
Coding change: c.781G>A on transcript NM_000925.4 (MANE Select); coding-DNA position 781, G replaced by A.
Protein change: p.Val261Ile; replaces valine 261 with isoleucine.
Molecular consequence: missense variant. On other transcripts: non-coding transcript variant (1).
Genome position (GRCh38, 1-based): chr3:58,429,719, C>T on the plus strand (G>A on the coding strand, the complement: PDHB is on the minus strand). VCF-style: chr3-58429719-C-T. GRCh37 (hg19) VCF-style: chr3-58415446-C-T.
Other names: c.727G>A, p.Val243Ile (NM_001173468.2, NM_001315536.2); short protein forms V243I, V261I.
Identifiers: ClinVar variation 2006615 (VCV002006615.4), dbSNP rs1560187249, ClinGen allele CA353358898.
Genomic context (GRCh38, chr3:58,429,719, plus strand): 5'-CTAAAAGGAGCCCTTCTAATTCTTTAAGAACAAGTAAATGTCCACTCACCTCACATTCAA[C>T]TCCTTCTTTAGATAGCACTGCTGCAGCTTCTAAGCAGTGGCCCACAGGTCTTGAATGGGA-3'
Protein context (NP_000916.2, residues 251-271): EAAAVLSKEG[Val261Ile]ECEVINMRTI

ClinVar aggregate classification (germline): Uncertain significance (1 of 4 stars; one submission).

Conditions:
Pyruvate dehydrogenase E1-beta deficiency (PDHBD). Identifiers: Orphanet 255138, Orphanet 765, MedGen C3279841, MONDO:0013580, OMIM 614111.

Submission:

Labcorp Genetics (formerly Invitae), Labcorp
Classification: Uncertain significance for Pyruvate dehydrogenase E1-beta deficiency. Last evaluated: 2022-10-17. Review status: criteria provided, single submitter. Criteria: Invitae Variant Classification Sherloc (09022015). Collection method: clinical testing. Allele origin: germline.
Comment: In summary, the available evidence is currently insufficient to determine the role of this variant in disease. Therefore, it has been classified as a Variant of Uncertain Significance. Advanced modeling of protein sequence and biophysical properties (such as structural, functional, and spatial information, amino acid conservation, physicochemical variation, residue mobility, and thermodynamic stability) performed at Invitae indicates that this missense variant is not expected to disrupt PDHB protein function. This variant has not been reported in the literature in individuals affected with PDHB-related conditions. This variant is not present in population databases (gnomAD no frequency). This sequence change replaces valine, which is neutral and non-polar, with isoleucine, which is neutral and non-polar, at codon 261 of the PDHB protein (p.Val261Ile).